The following is an entry in ClinVar:

ClinVar aggregate classification (germline): Likely pathogenic (1 of 4 stars; one submission).

Conditions:
Achondrogenesis, type IA (ACG1A). Identifiers: Orphanet 932, Orphanet 93299, MedGen C0265273, MONDO:0008701, OMIM 200600.

Submission:

Labcorp Genetics (formerly Invitae), Labcorp
Classification: Likely pathogenic for Achondrogenesis, type IA. Last evaluated: 2025-07-23. Review status: criteria provided, single submitter. Criteria: Invitae Variant Classification Sherloc (09022015). Collection method: clinical testing. Allele origin: germline.
Comment: This sequence change affects a donor splice site in intron 7 of the TRIP11 gene. It is expected to disrupt RNA splicing. Variants that disrupt the donor or acceptor splice site typically lead to a loss of protein function (PMID: 16199547), and loss-of-function variants in TRIP11 are known to be pathogenic (PMID: 20089971, 23956106). This variant is not present in population databases (gnomAD no frequency). This variant has not been reported in the literature in individuals affected with TRIP11-related conditions. Algorithms developed to predict the effect of sequence changes on RNA splicing suggest that this variant may disrupt the consensus splice site. In summary, the currently available evidence indicates that the variant is pathogenic, but additional data are needed to prove that conclusively. Therefore, this variant has been classified as Likely Pathogenic.

Literature cited by the submitters: PubMed 16199547; PubMed 20089971; PubMed 23956106.

NM_004239.4(TRIP11):c.1186+1G>A

Gene: TRIP11 (thyroid hormone receptor interactor 11; minus strand). Cytogenetic location: 14q32.12.
Variant type: single nucleotide variant.
Coding change: c.1186+1G>A on transcript NM_004239.4 (MANE Select); the canonical splice donor site of the intron after coding-DNA position 1186, G replaced by A.
Molecular consequence: splice donor variant.
Genome position (GRCh38, 1-based): chr14:92,014,214, C>T on the plus strand (G>A on the coding strand, the complement: TRIP11 is on the minus strand). VCF-style: chr14-92014214-C-T. GRCh37 (hg19) VCF-style: chr14-92480558-C-T.
Other names: c.1183+1G>A (NM_001321851.1).
Identifiers: ClinVar variation 4754302 (VCV004754302.1).